The following is an entry in ClinVar:

ClinVar aggregate classification (germline): Uncertain significance. Review status: criteria provided, multiple submitters, no conflicts (2 of 4 stars). 3 submissions from 3 submitters: Uncertain significance (3). Last evaluated 2024-12-22.

Conditions:
Inborn genetic diseases. Identifiers: MedGen C0950123, MeSH D030342.
Developmental and epileptic encephalopathy, 12 (DEE12). Identifiers: MedGen C3150988, MONDO:0013389, OMIM 613722.

Allele frequency attached by ClinVar (database versions not stated): gnomAD exomes below 0.00001 and 0.00001; TOPMed 0.00005.
gnomAD v4.1: 20 of 1,614,166 alleles (0.0012%); highest among the groups gnomAD compares: Middle Eastern, 0.049%; no homozygotes.

Submissions (3):

Labcorp Genetics (formerly Invitae), Labcorp
Classification: Uncertain significance for Developmental and epileptic encephalopathy, 12. Last evaluated: 2024-12-22. Review status: criteria provided, single submitter. Criteria: Invitae Variant Classification Sherloc (09022015). Collection method: clinical testing. Allele origin: germline.
Comment: This sequence change replaces proline, which is neutral and non-polar, with threonine, which is neutral and polar, at codon 197 of the PNKP protein (p.Pro197Thr). This variant is present in population databases (rs201968000, gnomAD 0.003%). This variant has not been reported in the literature in individuals affected with PNKP-related conditions. ClinVar contains an entry for this variant (Variation ID: 1007545). Invitae Evidence Modeling of protein sequence and biophysical properties (such as structural, functional, and spatial information, amino acid conservation, physicochemical variation, residue mobility, and thermodynamic stability) indicates that this missense variant is not expected to disrupt PNKP protein function with a negative predictive value of 80%. In summary, the available evidence is currently insufficient to determine the role of this variant in disease. Therefore, it has been classified as a Variant of Uncertain Significance.

Ambry Genetics
Classification: Uncertain significance for Inborn genetic diseases. Last evaluated: 2023-04-19. Review status: criteria provided, single submitter. Criteria: Ambry Variant Classification Scheme 2023. Collection method: clinical testing. Allele origin: germline.

GeneDx
Classification: Uncertain significance. Last evaluated: 2019-03-07. Review status: criteria provided, single submitter. Criteria: GeneDx Variant Classification Process June 2021. Collection method: clinical testing. Allele origin: germline. Affected: yes.
Comment: Not observed at a significant frequency in large population cohorts (Lek et al., 2016; McVean et al., 2012; Exome Variant Server); In silico analysis, which includes protein predictors and evolutionary conservation, supports a deleterious effect; Has not been previously published as pathogenic or benign to our knowledge

NM_007254.4(PNKP):c.589C>A (p.Pro197Thr)

Gene: PNKP (polynucleotide kinase 3'-phosphatase; minus strand). Cytogenetic location: 19q13.33.
Variant type: single nucleotide variant.
Coding change: c.589C>A on transcript NM_007254.4 (MANE Select); coding-DNA position 589, C replaced by A.
Protein change: p.Pro197Thr; replaces proline 197 with threonine.
Molecular consequence: missense variant.
Genome position (GRCh38, 1-based): chr19:49,864,226, G>T on the plus strand (C>A on the coding strand, the complement: PNKP is on the minus strand). VCF-style: chr19-49864226-G-T. GRCh37 (hg19) VCF-style: chr19-50367483-G-T.
Other names: c.589C>A (NM_007254.3); short protein forms P197T.
Identifiers: ClinVar variation 1007545 (VCV001007545.10), dbSNP rs201968000, ClinGen allele CA9586875.